The following is an entry in ClinVar:

NM_024075.5(TSEN34):c.-95A>G

Gene: TSEN34 (tRNA splicing endonuclease subunit 34; plus strand). Cytogenetic location: 19q13.42.
Variant type: single nucleotide variant.
Coding change: c.-95A>G on transcript NM_024075.5; 95 bases upstream of the start codon, A replaced by G.
Molecular consequence: 5 prime UTR variant.
Genome position (GRCh38, 1-based): chr19:54,190,360, A>G. VCF-style: chr19-54190360-A-G. GRCh37 (hg19) VCF-style: chr19-54694211-A-G.
Other names: c.-16A>G (NM_001282333.2, NM_001386740.1).
Identifiers: ClinVar variation 330120 (VCV000330120.7), dbSNP rs115290127, ClinGen allele CA309370839.

ClinVar aggregate classification (germline): Likely benign (1 of 4 stars; one submission).

Conditions:
Pontoneocerebellar hypoplasia. Also called: Pontocerebellar hypoplasia; Non-syndromic pontocerebellar hypoplasia. Identifiers: Orphanet 98523, MedGen C1261175, MONDO:0020135.

Allele frequency attached by ClinVar (database versions not stated): gnomAD exomes 0.00069 and 0.00034; 1000 Genomes Project 0.00399; ExAC 0.00118; gnomAD 0.00364 and 0.00390; 1000 Genomes Project 30x 0.00468; TOPMed 0.00425.
gnomAD v4.1: 1,034 of 1,525,256 alleles (0.068%); highest among the groups gnomAD compares: African/African-American, 1.3%; 7 homozygotes.

Submission:

Illumina Laboratory Services, Illumina
Classification: Likely benign for Pontoneocerebellar hypoplasia. Last evaluated: 2018-01-13. Review status: criteria provided, single submitter. Criteria: ICSL Variant Classification Criteria 13 December 2019. Collection method: clinical testing. Allele origin: germline.
Comment: This variant was observed in the ICSL laboratory as part of a predisposition screen in an ostensibly healthy population. It had not been previously curated by ICSL or reported in the Human Gene Mutation Database (HGMD: prior to June 1st, 2018), and was therefore a candidate for classification through an automated scoring system. Utilizing variant allele frequency, disease prevalence and penetrance estimates, and inheritance mode, an automated score was calculated to assess if this variant is too frequent to cause the disease. Based on the score and internal cut-off values, a variant classified as likely benign is not then subjected to further curation. The score for this variant resulted in a classification of likely benign for this disease.